The following is an entry in ClinVar:

NM_001353921.2(ARHGEF9):c.95G>T (p.Arg32Leu)

Gene: ARHGEF9 (Cdc42 guanine nucleotide exchange factor 9; minus strand). Cytogenetic location: Xq11.1.
Variant type: single nucleotide variant.
Coding change: c.95G>T on transcript NM_001353921.2 (MANE Select); coding-DNA position 95, G replaced by T.
Protein change: p.Arg32Leu; replaces arginine 32 with leucine.
Molecular consequence: missense variant. On other transcripts: 5 prime UTR variant (2), intron variant (6).
Genome position (GRCh38, 1-based): chrX:63,724,647, C>A on the plus strand (G>T on the coding strand, the complement: ARHGEF9 is on the minus strand). VCF-style: chrX-63724647-C-A. GRCh37 (hg19) VCF-style: chrX-62944527-C-A.
Other names: c.11G>T, p.Arg4Leu (NM_001330495.2, NM_001353927.2, NM_001369033.1 and 8 more transcripts); c.95G>T, p.Arg32Leu (NM_001353922.2); c.113G>T, p.Arg38Leu (NM_001353923.1); c.74G>T, p.Arg25Leu (NM_001353928.2, NM_001369030.1, NM_001369031.1 and 2 more transcripts); c.-369G>T (NM_001369042.1); c.-609G>T (NM_001369045.1); c.31-18198G>T (NM_001173479.2); c.10-18198G>T (NM_001369040.1, NM_001369039.1, NM_001353926.2 and 1 more transcripts); and 1 more; short protein forms R25L, R32L, R38L, R4L.
Identifiers: ClinVar variation 1312993 (VCV001312993.2), dbSNP rs782244025, ClinGen allele CA413404305.

ClinVar aggregate classification (germline): Uncertain significance (1 of 4 stars; one submission).

Submission:

GeneDx
Classification: Uncertain significance. Last evaluated: 2020-07-06. Review status: criteria provided, single submitter. Criteria: GeneDx Variant Classification Process June 2021. Collection method: clinical testing. Allele origin: germline. Affected: yes.
Comment: Not observed in large population cohorts (Lek et al., 2016); In silico analysis supports that this missense variant has a deleterious effect on protein structure/function; Has not been previously published as pathogenic or benign to our knowledge